The following is an entry in ClinVar:

NM_000260.4(MYO7A):c.2146C>G (p.His716Asp)

Gene: MYO7A (myosin VIIA; plus strand). Cytogenetic location: 11q13.5.
Variant type: single nucleotide variant.
Coding change: c.2146C>G on transcript NM_000260.4 (MANE Select); coding-DNA position 2146, C replaced by G.
Protein change: p.His716Asp; replaces histidine 716 with aspartic acid.
Molecular consequence: missense variant.
Genome position (GRCh38, 1-based): chr11:77,175,423, C>G. VCF-style: chr11-77175423-C-G. GRCh37 (hg19) VCF-style: chr11-76886469-C-G.
Other names: c.2146C>G, p.His716Asp (NM_001127180.2); c.2113C>G, p.His705Asp (NM_001369365.1); short protein forms H716D, H705D.
Identifiers: ClinVar variation 306173 (VCV000306173.14), dbSNP rs886048676, ClinGen allele CA10631559.

ClinVar aggregate classification (germline): Uncertain significance. Review status: criteria provided, multiple submitters, no conflicts (2 of 4 stars). 8 submissions from 6 submitters: Uncertain significance (6). 2 of the submissions do not count toward it. Last evaluated 2025-03-31.

Conditions:
Autosomal recessive nonsyndromic hearing loss 2. Also called: NEUROSENSORY NONSYNDROMIC RECESSIVE DEAFNESS 2; DEAFNESS, AUTOSOMAL RECESSIVE 2. Identifiers: Orphanet 90636, MedGen C1838701, MONDO:0010807, OMIM 600060.
Usher syndrome type 1B (USH1B). Also called: Usher syndrome type IB. Identifiers: MedGen C1848638, MONDO:0700087.
MYO7A-related disorder. Also called: MYO7A-related disorders.
Usher syndrome type 1 (USH1). Also called: RETINITIS PIGMENTOSA AND CONGENITAL DEAFNESS. Identifiers: Orphanet 231169, Orphanet 886, MedGen C1568247, MONDO:0010168, OMIM 276900.
Autosomal dominant nonsyndromic hearing loss 11. Identifiers: Orphanet 90635, MedGen C1832475, MONDO:0011032, OMIM 601317.

Allele frequency attached by ClinVar (database versions not stated): gnomAD exomes below 0.00001; TOPMed 0.00001; gnomAD 0.00003.
gnomAD v4.1: 7 of 1,613,274 alleles (0.00043%); highest among the groups gnomAD compares: East Asian, 0.0022%; no homozygotes.

Submissions (8):

Labcorp Genetics (formerly Invitae), Labcorp
Classification: Uncertain significance. Last evaluated: 2025-03-31. Review status: criteria provided, single submitter. Criteria: Invitae Variant Classification Sherloc (09022015). Collection method: clinical testing. Allele origin: germline.
Comment: This sequence change replaces histidine, which is basic and polar, with aspartic acid, which is acidic and polar, at codon 716 of the MYO7A protein (p.His716Asp). This variant is present in population databases (no rsID available, gnomAD 0.06%). This variant has not been reported in the literature in individuals affected with MYO7A-related conditions. ClinVar contains an entry for this variant (Variation ID: 306173). Invitae Evidence Modeling of protein sequence and biophysical properties (such as structural, functional, and spatial information, amino acid conservation, physicochemical variation, residue mobility, and thermodynamic stability) indicates that this missense variant is not expected to disrupt MYO7A protein function with a negative predictive value of 95%. In summary, the available evidence is currently insufficient to determine the role of this variant in disease. Therefore, it has been classified as a Variant of Uncertain Significance.

GeneDx
Classification: Uncertain significance. Last evaluated: 2024-10-23. Review status: criteria provided, single submitter. Criteria: GeneDx Variant Classification Process June 2021. Collection method: clinical testing. Allele origin: germline.
Comment: In silico analysis indicates that this missense variant does not alter protein structure/function; Has not been previously published as pathogenic or benign to our knowledge

Blueprint Genetics
Classification: Uncertain significance. Last evaluated: 2024-05-30. Review status: criteria provided, single submitter. Criteria: ACMG Guidelines, 2015. Collection method: clinical testing. Allele origin: germline.

Illumina Laboratory Services, Illumina
Classification: Uncertain significance for Autosomal dominant nonsyndromic hearing loss 11. Last evaluated: 2018-01-12. Review status: criteria provided, single submitter. Criteria: ICSL Variant Classification Criteria 13 December 2019. Collection method: clinical testing. Allele origin: germline.

Illumina Laboratory Services, Illumina
Classification: Uncertain significance for Autosomal recessive nonsyndromic hearing loss 2. Last evaluated: 2018-01-12. Review status: criteria provided, single submitter. Criteria: ICSL Variant Classification Criteria 13 December 2019. Collection method: clinical testing. Allele origin: germline.

Illumina Laboratory Services, Illumina
Classification: Uncertain significance for Usher syndrome type 1. Last evaluated: 2018-01-12. Review status: criteria provided, single submitter. Criteria: ICSL Variant Classification Criteria 13 December 2019. Collection method: clinical testing. Allele origin: germline.

PreventionGenetics, part of Exact Sciences
Classification: Uncertain significance for MYO7A-related condition. Last evaluated: 2024-01-03. Review status: no assertion criteria provided. Collection method: clinical testing. Allele origin: germline. Not counted in ClinVar's aggregate classification.
Comment: The MYO7A c.2146C>G variant is predicted to result in the amino acid substitution p.His716Asp. To our knowledge, this variant has not been reported in the literature. This variant is reported in 0.010% of alleles in individuals of East Asian descent in gnomAD. At this time, the clinical significance of this variant is uncertain due to the absence of conclusive functional and genetic evidence.

Natera, Inc.
Classification: Uncertain significance for Usher syndrome type 1B. Last evaluated: 2020-04-16. Review status: no assertion criteria provided. Collection method: clinical testing. Allele origin: germline. Not counted in ClinVar's aggregate classification.